The following is an entry in ClinVar:

ClinVar aggregate classification (germline): Uncertain significance. Review status: criteria provided, multiple submitters, no conflicts (2 of 4 stars). 2 submissions from 2 submitters: Uncertain significance (2). Last evaluated 2024-05-21.

Conditions:
Polyps, multiple and recurrent inflammatory fibroid, gastrointestinal. Identifiers: MedGen C5193005, MONDO:0008285, OMIM 175510.
Gastrointestinal stromal tumor. Also called: Gastrointestinal stromal tumor, somatic; Gastrointestinal stroma tumor. Identifiers: Orphanet 44890, MedGen C0238198, MeSH D046152, MONDO:0011719, OMIM 606764, HP:0100723.

Submissions (2):

Labcorp Genetics (formerly Invitae), Labcorp
Classification: Uncertain significance for Gastrointestinal stromal tumor. Last evaluated: 2024-05-21. Review status: criteria provided, single submitter. Criteria: Invitae Variant Classification Sherloc (09022015). Collection method: clinical testing. Allele origin: germline.
Comment: This sequence change replaces leucine, which is neutral and non-polar, with phenylalanine, which is neutral and non-polar, at codon 781 of the PDGFRA protein (p.Leu781Phe). This variant is present in population databases (rs757362953, gnomAD 0.002%). This variant has not been reported in the literature in individuals affected with PDGFRA-related conditions. ClinVar contains an entry for this variant (Variation ID: 570699). Advanced modeling of protein sequence and biophysical properties (such as structural, functional, and spatial information, amino acid conservation, physicochemical variation, residue mobility, and thermodynamic stability) performed at Invitae indicates that this missense variant is not expected to disrupt PDGFRA protein function with a negative predictive value of 80%. In summary, the available evidence is currently insufficient to determine the role of this variant in disease. Therefore, it has been classified as a Variant of Uncertain Significance.

Baylor Genetics
Classification: Uncertain significance for Polyps, multiple and recurrent inflammatory fibroid, gastrointestinal. Last evaluated: 2023-11-30. Review status: criteria provided, single submitter. Criteria: ACMG Guidelines, 2015. Collection method: clinical testing. Allele origin: unknown.

NM_006206.6(PDGFRA):c.2341C>T (p.Leu781Phe)

Gene: PDGFRA (platelet derived growth factor receptor alpha; plus strand). Cytogenetic location: 4q12.
Variant type: single nucleotide variant.
Coding change: c.2341C>T on transcript NM_006206.6 (MANE Select); coding-DNA position 2341, C replaced by T.
Protein change: p.Leu781Phe; replaces leucine 781 with phenylalanine.
Molecular consequence: missense variant.
Genome position (GRCh38, 1-based): chr4:54,285,388, C>T. VCF-style: chr4-54285388-C-T. GRCh37 (hg19) VCF-style: chr4-55151555-C-T.
Other names: c.2416C>T, p.Leu806Phe (NM_001347828.2); c.2341C>T, p.Leu781Phe (NM_001347829.2); c.2380C>T, p.Leu794Phe (NM_001347830.2); short protein forms L781F, L794F, L806F.
Identifiers: ClinVar variation 570699 (VCV000570699.12), dbSNP rs757362953, ClinGen allele CA2922841.